The following is an entry in ClinVar:

NM_000329.3(RPE65):c.1271A>C (p.Gln424Pro)

Gene: RPE65 (retinoid isomerohydrolase RPE65; minus strand). Cytogenetic location: 1p31.3.
Variant type: single nucleotide variant.
Coding change: c.1271A>C on transcript NM_000329.3 (MANE Select); coding-DNA position 1271, A replaced by C.
Protein change: p.Gln424Pro; replaces glutamine 424 with proline.
Molecular consequence: missense variant.
Genome position (GRCh38, 1-based): chr1:68,431,349, T>G on the plus strand (A>C on the coding strand, the complement: RPE65 is on the minus strand). VCF-style: chr1-68431349-T-G. GRCh37 (hg19) VCF-style: chr1-68897032-T-G.
Other names: c.1163A>C, p.Gln388Pro (NM_001406853.1); c.995A>C, p.Gln332Pro (NM_001406856.1, NM_001406857.1); c.1271A>C (NM_000329.2); short protein forms Q388P, Q332P, Q424P.
Identifiers: ClinVar variation 4782744 (VCV004782744.3).

ClinVar aggregate classification (germline): Conflicting classifications of pathogenicity. Review status: criteria provided, conflicting classifications (1 of 4 stars). 3 submissions from 3 submitters: Uncertain significance (2); Benign (1). Last evaluated 2026-07-07.

Conditions:
Retinitis pigmentosa 20 (RP20). Identifiers: Orphanet 791, MedGen C3151086, MONDO:0013425, OMIM 613794.
Leber congenital amaurosis 2 (LCA2). Also called: AMAUROSIS CONGENITA OF LEBER II; Autosomal Recessive RPE65-Related Retinal Degeneration. Identifiers: Orphanet 65, MedGen C1859844, MONDO:0008765, OMIM 204100. Disease mechanism: loss of function.
Inborn genetic diseases. Identifiers: MedGen C0950123, MeSH D030342.

gnomAD v4.1: 145 of 1,614,014 alleles (0.009%); highest among the groups gnomAD compares: South Asian, 0.15%; 2 homozygotes.

Submissions (3):

Ambry Genetics
Classification: Uncertain significance for Inborn genetic diseases. Last evaluated: 2026-07-07. Review status: criteria provided, single submitter. Criteria: Ambry Variant Classification Scheme 2023. Collection method: clinical testing. Allele origin: germline.
Comment: The p.Q424P variant (also known as c.1271A>C), located in coding exon 12 of the RPE65 gene, results from an A to C substitution at nucleotide position 1271. The glutamine at codon 424 is replaced by proline, an amino acid with similar properties. This amino acid position is conserved. In addition, the in silico prediction for this alteration is inconclusive. Based on the available evidence, the clinical significance of this variant remains unclear.

Labcorp Genetics (formerly Invitae), Labcorp
Classification: Uncertain significance for Leber congenital amaurosis 2; Retinitis pigmentosa 20. Last evaluated: 2026-01-06. Review status: criteria provided, single submitter. Criteria: Invitae Variant Classification Sherloc (09022015). Collection method: clinical testing. Allele origin: germline.
Comment: This sequence change replaces glutamine, which is neutral and polar, with proline, which is neutral and non-polar, at codon 424 of the RPE65 protein (p.Gln424Pro). This variant is present in population databases (rs758321182, gnomAD 0.2%). This variant has not been reported in the literature in individuals affected with RPE65-related conditions. Invitae Evidence Modeling of protein sequence and biophysical properties (such as structural, functional, and spatial information, amino acid conservation, physicochemical variation, residue mobility, and thermodynamic stability) has been performed for this missense variant. However, the output from this modeling did not meet the statistical confidence thresholds required to predict the impact of this variant on RPE65 protein function. In summary, the available evidence is currently insufficient to determine the role of this variant in disease. Therefore, it has been classified as a Variant of Uncertain Significance.

Blueprint Genetics
Classification: Benign. Last evaluated: 2024-11-07. Review status: criteria provided, single submitter. Criteria: ACMG Guidelines, 2015. Collection method: clinical testing. Allele origin: germline.